The following is an entry in ClinVar:

ClinVar aggregate classification (germline): Uncertain significance (1 of 4 stars; one submission).

Submission:

Labcorp Genetics (formerly Invitae), Labcorp
Classification: Uncertain significance. Last evaluated: 2025-04-07. Review status: criteria provided, single submitter. Criteria: Invitae Variant Classification Sherloc (09022015). Collection method: clinical testing. Allele origin: germline.
Comment: This sequence change replaces glycine, which is neutral and non-polar, with arginine, which is basic and polar, at codon 22 of the NAF1 protein (p.Gly22Arg). This variant is not present in population databases (gnomAD no frequency). This variant has not been reported in the literature in individuals affected with NAF1-related conditions. ClinVar contains an entry for this variant (Variation ID: 1899696). An algorithm developed to predict the effect of missense changes on protein structure and function (PolyPhen-2) suggests that this variant is likely to be tolerated. In summary, the available evidence is currently insufficient to determine the role of this variant in disease. Therefore, it has been classified as a Variant of Uncertain Significance.

NM_138386.3(NAF1):c.64G>C (p.Gly22Arg)

Gene: NAF1 (nuclear assembly factor 1 ribonucleoprotein; minus strand). Cytogenetic location: 4q32.2.
Variant type: single nucleotide variant.
Coding change: c.64G>C on transcript NM_138386.3 (MANE Select); coding-DNA position 64, G replaced by C.
Protein change: p.Gly22Arg; replaces glycine 22 with arginine.
Molecular consequence: missense variant.
Genome position (GRCh38, 1-based): chr4:163,166,664, C>G on the plus strand (G>C on the coding strand, the complement: NAF1 is on the minus strand). VCF-style: chr4-163166664-C-G. GRCh37 (hg19) VCF-style: chr4-164087816-C-G.
Other names: c.64G>C, p.Gly22Arg (NM_001128931.2); short protein forms G22R.
Identifiers: ClinVar variation 1899696 (VCV001899696.5), dbSNP rs2477360286, ClinGen allele CA358662017.
Genomic context (GRCh38, chr4:163,166,664, plus strand): 5'-GCTGTGTCCCTGGCACAGGGGCAGAGCCCGGAGACGGAGCCGCCGGACCTTCCCCAACTC[C>G]AAAGTCGGTGCCATTGAATTTCAGAGTTTCCAGCTGAGCGGCGGCGGCCTCCACTACCTC-3'
Protein context (NP_612395.2, residues 12-32): ETLKFNGTDF[Gly22Arg]VGEGPAAPSP